The following is an entry in ClinVar:

NM_004004.6(GJB2):c.-22-1G>A

Gene: GJB2 (gap junction protein beta 2; minus strand). Cytogenetic location: 13q12.11.
Variant type: single nucleotide variant.
Coding change: c.-22-1G>A on transcript NM_004004.6 (MANE Select); the canonical splice acceptor site of the intron before 22 bases upstream of the start codon, G replaced by A.
Molecular consequence: splice acceptor variant.
Genome position (GRCh38, 1-based): chr13:20,189,604, C>T on the plus strand (G>A on the coding strand, the complement: GJB2 is on the minus strand). VCF-style: chr13-20189604-C-T. GRCh37 (hg19) VCF-style: chr13-20763743-C-T.
Other names: NC_000013.10:g.20763743C>T.
Identifiers: ClinVar variation 550518 (VCV000550518.6), dbSNP rs551625098, ClinGen allele CA6904345.

ClinVar aggregate classification (germline): Likely pathogenic. Review status: criteria provided, multiple submitters, no conflicts (2 of 4 stars). 3 submissions from 3 submitters: Likely pathogenic (2). 1 of the submissions does not count toward it. Last evaluated 2025-11-07.

Conditions:
Autosomal recessive nonsyndromic hearing loss 1A (DFNB1A). Also called: GJB6-Related DFNB 1 Nonsyndromic Hearing Loss and Deafness; Deafness, autosomal recessive 1A; Connexin 26 deafness; Deafness nonsyndromic, Connexin 26 linked; GJB2-Related Autosomal Recessive Nonsyndromic Hearing Loss; Nonsyndromic Hearing Loss and Deafness, DFNB1. Identifiers: Orphanet 90636, MedGen C2673759, MONDO:0009076, OMIM 220290.

Allele frequency attached by ClinVar (database versions not stated): TOPMed below 0.00001; gnomAD 0.00001; gnomAD exomes 0.00001 and 0.00002; ExAC 0.00002; 1000 Genomes Project 30x 0.00016; 1000 Genomes Project 0.00020.

Submissions (4):

Natera, Inc.
Classification: Likely pathogenic for Autosomal recessive deafness type 1A. Last evaluated: 2025-11-07. Review status: criteria provided, single submitter. Criteria: Natera Variant Classification Schema (03/2026). Collection method: clinical testing. Allele origin: germline.
Comment: The c.-22-1G>A variant in GJB2 is a 5' untranslated region (UTR) variant located upstream of the translation start codon. This variant may result in a truncated or dysfunctional protein product. This variant is rare in the general population with a frequency below the threshold expected for the associated phenotype(s). Another variant at this same site results in an alteration predicted to cause a similar molecular effect has been observed in individual(s) with the associated phenotype. Given the available evidence, this variant is classified as Likely Pathogenic.

Juno Genomics, Hangzhou Juno Genomics, Inc
Classification: Likely pathogenic for Autosomal recessive nonsyndromic hearing loss 1A. Review status: criteria provided, single submitter. Criteria: ACMG Guidelines, 2015. Collection method: clinical testing. Allele origin: germline.
Comment: Absent from controls (or at extremely low frequency if recessive) in Genome Aggregation Database.;Null variant in a gene where loss of function (LOF) is a known mechanism of disease.

Counsyl
Classification: Uncertain significance for Autosomal recessive nonsyndromic hearing loss 1A. Last evaluated: 2017-01-26. Review status: no assertion criteria provided. Collection method: clinical testing. Allele origin: unknown. Not counted in ClinVar's aggregate classification.

Dr. Peter K. Rogan Lab, Western University
No classification provided (evidence only). Condition: Lung cancer. Review status: no classification provided. Collection method: in vitro. Allele origin: not applicable. Functional consequence: retained intron. Not counted in ClinVar's aggregate classification.